The following is an entry in ClinVar:

ClinVar aggregate classification (germline): Uncertain significance (1 of 4 stars; one submission).

Allele frequency attached by ClinVar (database versions not stated): gnomAD exomes below 0.00001; gnomAD 0.00003.
gnomAD v4.1: 6 of 1,260,040 alleles (0.00048%); highest among the groups gnomAD compares: African/African-American, 0.0063%; no homozygotes.

Submission:

Labcorp Genetics (formerly Invitae), Labcorp
Classification: Uncertain significance. Last evaluated: 2021-04-05. Review status: criteria provided, single submitter. Criteria: Invitae Variant Classification Sherloc (09022015). Collection method: clinical testing. Allele origin: germline.
Comment: In summary, the available evidence is currently insufficient to determine the role of this variant in disease. Therefore, it has been classified as a Variant of Uncertain Significance. Algorithms developed to predict the effect of missense changes on protein structure and function are either unavailable or do not agree on the potential impact of this missense change (SIFT: "Deleterious"; PolyPhen-2: "Benign"; Align-GVGD: "Class C0"). This variant has not been reported in the literature in individuals with ZSWIM6-related conditions. The frequency data for this variant in the population databases is considered unreliable, as metrics indicate insufficient coverage at this position in the ExAC database. This sequence change replaces glycine with arginine at codon 200 of the ZSWIM6 protein (p.Gly200Arg). The glycine residue is weakly conserved and there is a moderate physicochemical difference between glycine and arginine.

NM_020928.2(ZSWIM6):c.598G>C (p.Gly200Arg)

Gene: ZSWIM6 (zinc finger SWIM-type containing 6; plus strand). Cytogenetic location: 5q12.1.
Variant type: single nucleotide variant.
Coding change: c.598G>C on transcript NM_020928.2 (MANE Select); coding-DNA position 598, G replaced by C.
Protein change: p.Gly200Arg; replaces glycine 200 with arginine.
Molecular consequence: missense variant.
Genome position (GRCh38, 1-based): chr5:61,332,870, G>C. VCF-style: chr5-61332870-G-C. GRCh37 (hg19) VCF-style: chr5-60628697-G-C.
Other names: short protein forms G200R.
Identifiers: ClinVar variation 1494681 (VCV001494681.8), dbSNP rs1367538509, ClinGen allele CA359941034.